The following is an entry in ClinVar:

ClinVar aggregate classification (germline): Uncertain significance (0 of 4 stars; one submission).

Conditions:
Fanconi anemia complementation group A (FANCA). Also called: Fanconi anemia, group A; FANCA-Related Fanconi Anemia. Identifiers: Orphanet 84, MedGen C3469521, MONDO:0009215, OMIM 227650.

Submission:

Leiden Open Variation Database
Classification: Uncertain significance for Fanconi anemia complementation group A. Last evaluated: 2020-02-28. Review status: no assertion criteria provided. Collection method: curation. Allele origin: germline. Affected: yes.
Comment: Curator: Arleen D. Auerbach. Submitter to LOVD: Arleen D. Auerbach.

NC_000016.10:g.(89775816_89778800)_(89808368_89810706)del

Gene: FANCA (FA complementation group A; minus strand). Cytogenetic location: 16q24.3.
Variant type: Deletion.
Identifiers: ClinVar variation 974197 (VCV000974197.1).